The following is an entry in ClinVar:

NM_014014.5(SNRNP200):c.1dup (p.Met1fs)

Genes: SNRNP200 (small nuclear ribonucleoprotein U5 subunit 200; minus strand), LOC112841608 (Sharpr-MPRA regulatory region 61; plus strand). Cytogenetic location: 2q11.2.
Variant type: Duplication.
Coding change: c.1dup on transcript NM_014014.5 (MANE Select); coding-DNA position 1, one base duplicated (A; older notation c.1dupA).
Protein change: p.Met1fs; shifts the reading frame from methionine 1.
Molecular consequence: frameshift variant, initiator codon variant.
Genome position (GRCh38, 1-based): chr2:96,305,437, T duplicated on the plus strand (A on the coding strand, the reverse complement: SNRNP200 is on the minus strand). VCF-style (leftmost placement, unchanged base first): chr2-96305436-A-AT. GRCh37 (hg19) VCF-style: chr2-96971174-A-AT.
Other names: short protein forms M1fs.
Identifiers: ClinVar variation 2087309 (VCV002087309.5), dbSNP rs2467364448, ClinGen allele CA2580068309.

ClinVar aggregate classification (germline): Uncertain significance (1 of 4 stars; one submission).

Submission:

Labcorp Genetics (formerly Invitae), Labcorp
Classification: Uncertain significance. Last evaluated: 2022-08-22. Review status: criteria provided, single submitter. Criteria: Invitae Variant Classification Sherloc (09022015). Collection method: clinical testing. Allele origin: germline.
Comment: This variant occurs in a non-coding region of the SNRNP200 gene. It does not change the encoded amino acid sequence of the SNRNP200 protein. This variant is not present in population databases (gnomAD no frequency). This variant has not been reported in the literature in individuals affected with SNRNP200-related conditions. This variant is also known as c.1dup (p.Met1?) . Experimental studies and prediction algorithms are not available or were not evaluated, and the functional significance of this variant is currently unknown. In summary, the available evidence is currently insufficient to determine the role of this variant in disease. Therefore, it has been classified as a Variant of Uncertain Significance.